The following is an entry in ClinVar:

ClinVar aggregate classification (germline): Benign/Likely benign. Review status: criteria provided, multiple submitters, no conflicts (2 of 4 stars). 5 submissions from 5 submitters: Benign (1); Likely benign (4). Last evaluated 2025-07-03.

Conditions:
Hereditary cancer-predisposing syndrome. Also called: Hereditary Cancer Syndrome; Hereditary neoplastic syndrome; Neoplastic Syndromes, Hereditary; Tumor predisposition. Identifiers: Orphanet 140162, MedGen C0027672, MeSH D009386, MONDO:0015356.
Familial cancer of breast. Also called: hereditary breast carcinoma; Hereditary breast cancer; BREAST CANCER, FAMILIAL. Identifiers: Orphanet 227535, MedGen C0346153, MONDO:0016419, OMIM 114480. Disease mechanism: loss of function.

gnomAD v4.1: 1 of 1,614,038 alleles (0.000062%); highest among the groups gnomAD compares: Non-Finnish European, 0.000085%; no homozygotes.

Submissions (5):

Labcorp Genetics (formerly Invitae), Labcorp
Classification: Likely benign for Familial cancer of breast. Last evaluated: 2025-07-03. Review status: criteria provided, single submitter. Criteria: Invitae Variant Classification Sherloc (09022015). Collection method: clinical testing. Allele origin: germline.

Myriad Genetics, Inc.
Classification: Benign for Familial cancer of breast. Last evaluated: 2024-10-02. Review status: criteria provided, single submitter. Criteria: Myriad Autosomal Dominant, Autosomal Recessive and X-Linked Classification Criteria (2023). Collection method: clinical testing. Allele origin: unknown.
Comment: This variant is considered benign. This variant is a silent/synonymous amino acid change and it is not expected to impact splicing.

Ambry Genetics
Classification: Likely benign for Hereditary cancer-predisposing syndrome. Last evaluated: 2020-06-26. Review status: criteria provided, single submitter. Criteria: Ambry Variant Classification Scheme 2023. Collection method: clinical testing. Allele origin: germline.

GeneDx
Classification: Likely benign. Last evaluated: 2018-05-03. Review status: criteria provided, single submitter. Criteria: GeneDx Variant Classification Process June 2021. Collection method: clinical testing. Allele origin: germline. Affected: yes.

Color Diagnostics, LLC DBA Color Health
Classification: Likely benign for Hereditary cancer-predisposing syndrome. Last evaluated: 2015-08-04. Review status: criteria provided, single submitter. Criteria: ACMG Guidelines, 2015. Collection method: clinical testing. Allele origin: germline.

NM_007194.4(CHEK2):c.433C>A (p.Arg145=)

Gene: CHEK2 (checkpoint kinase 2; minus strand). Cytogenetic location: 22q12.1.
Variant type: single nucleotide variant.
Coding change: c.433C>A on transcript NM_007194.4 (MANE Select); coding-DNA position 433, C replaced by A.
Protein change: p.Arg145=; no amino-acid change (arginine 145 retained).
Molecular consequence: synonymous variant.
Genome position (GRCh38, 1-based): chr22:28,725,254, G>T on the plus strand (C>A on the coding strand, the complement: CHEK2 is on the minus strand). VCF-style: chr22-28725254-G-T. GRCh37 (hg19) VCF-style: chr22-29121242-G-T.
Other names: c.562C>A, p.Arg188= (NM_001005735.3); c.-345C>A (NM_001257387.3); c.433C>A, p.Arg145= (NM_001349956.3, NM_145862.3).
Identifiers: ClinVar variation 386647 (VCV000386647.20), dbSNP rs137853007, ClinGen allele CA16608615.